The following is an entry in ClinVar:

ClinVar aggregate classification (germline): Uncertain significance (1 of 4 stars; one submission).

Conditions:
Bethlem myopathy 1A. Also called: Bethlem myopathy 1; MYOPATHY, BENIGN CONGENITAL, WITH CONTRACTURES; Bethlem Muscular Dystrophy. Identifiers: Orphanet 610, MedGen CN029274, MONDO:0024530, OMIM 158810.

Submission:

Labcorp Genetics (formerly Invitae), Labcorp
Classification: Uncertain significance for Bethlem myopathy 1A. Last evaluated: 2025-09-03. Review status: criteria provided, single submitter. Criteria: Invitae Variant Classification Sherloc (09022015). Collection method: clinical testing. Allele origin: germline.
Comment: This sequence change replaces glutamine, which is neutral and polar, with lysine, which is basic and polar, at codon 2556 of the COL6A3 protein (p.Gln2556Lys). This variant is not present in population databases (gnomAD no frequency). This variant has not been reported in the literature in individuals affected with COL6A3-related conditions. ClinVar contains an entry for this variant (Variation ID: 3655052). Experimental studies and prediction algorithms are not available or were not evaluated, and the functional significance of this variant is currently unknown. In summary, the available evidence is currently insufficient to determine the role of this variant in disease. Therefore, it has been classified as a Variant of Uncertain Significance.

NM_004369.4(COL6A3):c.7666C>A (p.Gln2556Lys)

Gene: COL6A3 (collagen type VI alpha 3 chain; minus strand). Cytogenetic location: 2q37.3.
Variant type: single nucleotide variant.
Coding change: c.7666C>A on transcript NM_004369.4 (MANE Select); coding-DNA position 7666, C replaced by A.
Protein change: p.Gln2556Lys; replaces glutamine 2556 with lysine.
Molecular consequence: missense variant.
Genome position (GRCh38, 1-based): chr2:237,344,352, G>T on the plus strand (C>A on the coding strand, the complement: COL6A3 is on the minus strand). VCF-style: chr2-237344352-G-T. GRCh37 (hg19) VCF-style: chr2-238252995-G-T.
Other names: c.5845C>A, p.Gln1949Lys (NM_057166.5); c.7048C>A, p.Gln2350Lys (NM_057167.4); short protein forms Q1949K, Q2350K, Q2556K.
Identifiers: ClinVar variation 3655052 (VCV003655052.2).